The following is an entry in ClinVar:

ClinVar aggregate classification (germline): Uncertain significance. Review status: criteria provided, multiple submitters, no conflicts (2 of 4 stars). 3 submissions from 3 submitters: Uncertain significance (3). Last evaluated 2024-08-28.

Conditions:
Cardiovascular phenotype. Identifiers: MedGen CN230736.
Familial hypercholesterolemia. Also called: Familial hypercholesterolemias; Familial hypercholesterolaemia. Identifiers: MedGen C0020445, MONDO:0005439.
Hypercholesterolemia, autosomal dominant, 3 (FHCL3). Also called: Familial hypercholesterolemia 3; Familial Hypercholesterolemia, Autosomal Dominant, 3; PCSK9-Related Familial Hypercholesterolemia, Autosomal Dominant. Identifiers: MedGen C1863551, MONDO:0011369, OMIM 603776.

Allele frequency attached by ClinVar (database versions not stated): gnomAD exomes below 0.00001 and 0.00001; gnomAD 0.00001; TOPMed 0.00002; ExAC 0.00005; ESP Exome Variant Server 0.00008.
gnomAD v4.1: 5 of 1,551,736 alleles (0.00032%); highest among the groups gnomAD compares: African/African-American, 0.0068%; no homozygotes.

Submissions (3):

Ambry Genetics
Classification: Uncertain significance for Cardiovascular phenotype. Last evaluated: 2024-08-28. Review status: criteria provided, single submitter. Criteria: Ambry Variant Classification Scheme 2023. Collection method: clinical testing. Allele origin: germline.
Comment: The p.T548N variant (also known as c.1643C>A), located in coding exon 10 of the PCSK9 gene, results from a C to A substitution at nucleotide position 1643. The threonine at codon 548 is replaced by asparagine, an amino acid with similar properties. This amino acid position is conserved. In addition, this alteration is predicted to be tolerated by in silico analysis. Based on the available evidence, the clinical significance of this variant remains unclear.

Color Diagnostics, LLC DBA Color Health
Classification: Uncertain significance for Familial hypercholesterolemia. Last evaluated: 2024-03-07. Review status: criteria provided, single submitter. Criteria: ACMG Guidelines, 2015. Collection method: clinical testing. Allele origin: germline.
Comment: This missense variant replaces threonine with asparagine at codon 548 of the PCSK9 protein. Computational prediction tools indicate that this variant has a neutral impact on protein structure and function. To our knowledge, functional studies have not been reported for this variant. This variant has not been reported in individuals affected with PCSK9-related disorders in the literature. This variant has been identified in 3/188664 chromosomes in the general population by the Genome Aggregation Database (gnomAD). The available evidence is insufficient to determine the role of this variant in disease conclusively. Therefore, this variant is classified as a Variant of Uncertain Significance.

All of Us Research Program, National Institutes of Health
Classification: Uncertain significance for Hypercholesterolemia, autosomal dominant, 3. Last evaluated: 2023-03-23. Review status: criteria provided, single submitter. Criteria: ACMG Guidelines, 2015. Collection method: clinical testing. Allele origin: germline. Inheritance: Autosomal dominant inheritance. Observed: 1 variant allele, 1 heterozygote.
Comment: This missense variant replaces threonine with asparagine at codon 548 of the PCSK9 protein. Computational prediction tool suggests that this variant may not impact protein structure and function (internally defined REVEL score threshold <=0.5, PMID: 27666373). Splice site prediction tools suggest that this variant may not impact RNA splicing. To our knowledge, functional studies have not been performed for this variant. This variant has not been reported in individuals affected with familial hypercholesterolemia in the literature. This variant has been identified in 3/188664 chromosomes in the general population by the Genome Aggregation Database (gnomAD). The available evidence is insufficient to determine the role of this variant in disease conclusively. Therefore, this variant is classified as a Variant of Uncertain Significance.

This study involves interpretation of variants in research participants for the purpose of population health screening. Participant phenotype was not available at the time of variant classification. Additional details can be found in publication PMID: 35346344, PMCID: PMC8962531

NM_174936.4(PCSK9):c.1643C>A (p.Thr548Asn)

Gene: PCSK9 (proprotein convertase subtilisin/kexin type 9; plus strand). Cytogenetic location: 1p32.3.
Variant type: single nucleotide variant.
Coding change: c.1643C>A on transcript NM_174936.4 (MANE Select); coding-DNA position 1643, C replaced by A.
Protein change: p.Thr548Asn; replaces threonine 548 with asparagine.
Molecular consequence: missense variant.
Genome position (GRCh38, 1-based): chr1:55,059,625, C>A. VCF-style: chr1-55059625-C-A. GRCh37 (hg19) VCF-style: chr1-55525298-C-A.
Other names: c.1766C>A, p.Thr589Asn (NM_001407240.1); c.1685C>A, p.Thr562Asn (NM_001407241.1); c.1646C>A, p.Thr549Asn (NM_001407242.1); c.1586C>A, p.Thr529Asn (NM_001407243.1); c.1469C>A, p.Thr490Asn (NM_001407244.1); c.1451C>A, p.Thr484Asn (NM_001407245.1); c.1268C>A, p.Thr423Asn (NM_001407246.1); short protein forms T548N, T529N, T562N, T490N, T589N, T484N, T423N, T549N.
Identifiers: ClinVar variation 924576 (VCV000924576.8), dbSNP rs368156218, ClinGen allele CA038205.